The following is an entry in ClinVar:

NM_004006.3(DMD):c.6614+1G>A

Gene: DMD (dystrophin; minus strand). Cytogenetic location: Xp21.1.
Variant type: single nucleotide variant.
Coding change: c.6614+1G>A on transcript NM_004006.3 (MANE Select); the canonical splice donor site of the intron after coding-DNA position 6614, G replaced by A.
Molecular consequence: splice donor variant.
Genome position (GRCh38, 1-based): chrX:31,968,338, C>T on the plus strand (G>A on the coding strand, the complement: DMD is on the minus strand). VCF-style: chrX-31968338-C-T. GRCh37 (hg19) VCF-style: chrX-31986455-C-T.
Other names: c.6590+1G>A (NM_000109.4); c.2591+1G>A (NM_004011.4); c.2582+1G>A (NM_004012.4); c.-767+1G>A (NM_004023.3, NM_004020.4, NM_004022.3 and 2 more transcripts); c.6602+1G>A (NM_004009.3); c.6245+1G>A (NM_004010.3).
Identifiers: ClinVar variation 2737148 (VCV002737148.3), dbSNP rs2150186856, ClinGen allele CA412659453.
Genomic context (GRCh38, chrX:31,968,338, plus strand): 5'-CTAAAGAAAGCTTAAAAAGTCTGCTAAAATGTTTTCATTCCTATTAGATCTGTCGCCCTA[C>T]CTCTTTTTTCTGTCTGACAGCTGTTTGCAGACCTCCTGCCACCGCAGATTCAGGCTTCCC-3'

ClinVar aggregate classification (germline): Pathogenic (1 of 4 stars; one submission).

Conditions:
Duchenne muscular dystrophy (DMD). Also called: MUSCULAR DYSTROPHY, PSEUDOHYPERTROPHIC PROGRESSIVE, DUCHENNE TYPE; Duchenne Muscular Dystrophy (DMD). Identifiers: Orphanet 98896, MedGen C0013264, MONDO:0010679, OMIM 310200.

Allele frequency attached by ClinVar (database versions not stated): gnomAD exomes below 0.00001.
gnomAD v4.1: 1 of 1,210,141 alleles (0.000083%); highest among the groups gnomAD compares: Non-Finnish European, 0.00011%; no homozygotes.

Submission:

Labcorp Genetics (formerly Invitae), Labcorp
Classification: Pathogenic for Duchenne muscular dystrophy. Last evaluated: 2023-12-19. Review status: criteria provided, single submitter. Criteria: Invitae Variant Classification Sherloc (09022015). Collection method: clinical testing. Allele origin: germline.
Comment: This sequence change affects a donor splice site in intron 45 of the DMD gene. It is expected to disrupt RNA splicing. Variants that disrupt the donor or acceptor splice site typically lead to a loss of protein function (PMID: 16199547), and loss-of-function variants in DMD are known to be pathogenic (PMID: 16770791, 25007885). This variant is not present in population databases (gnomAD no frequency). Disruption of this splice site has been observed in individuals with Duchenne muscular dystrophy (PMID: 19001018, 32194622). Studies have shown that disruption of this splice site is associated with inconclusive levels of altered splicing (PMID: 19001018). For these reasons, this variant has been classified as Pathogenic.

Literature cited by the submitters: PubMed 16199547; PubMed 16770791; PubMed 25007885; PubMed 19001018; PubMed 32194622.